The following is an entry in ClinVar:

NM_001378778.1(MPDZ):c.2269G>A (p.Val757Ile)

Gene: MPDZ (multiple PDZ domain crumbs cell polarity complex component; minus strand). Cytogenetic location: 9p23.
Variant type: single nucleotide variant.
Coding change: c.2269G>A on transcript NM_001378778.1 (MANE Select); coding-DNA position 2269, G replaced by A.
Protein change: p.Val757Ile; replaces valine 757 with isoleucine.
Molecular consequence: missense variant.
Genome position (GRCh38, 1-based): chr9:13,188,879, C>T on the plus strand (G>A on the coding strand, the complement: MPDZ is on the minus strand). VCF-style: chr9-13188879-C-T. GRCh37 (hg19) VCF-style: chr9-13188878-C-T.
Other names: c.2269G>A, p.Val757Ile (NM_001261406.2, NM_001261407.2, NM_001330637.2 and 14 more transcripts); short protein forms V757I.
Identifiers: ClinVar variation 1444117 (VCV001444117.3), dbSNP rs767430484, ClinGen allele CA4987512.

ClinVar aggregate classification (germline): Uncertain significance (1 of 4 stars; one submission).

Allele frequency attached by ClinVar (database versions not stated): ExAC 0.00001; gnomAD exomes 0.00001 and 0.00003; TOPMed 0.00002; gnomAD 0.00003.
gnomAD v4.1: 43 of 1,613,458 alleles (0.0027%); highest among the groups gnomAD compares: Non-Finnish European, 0.0036%; no homozygotes.

Submission:

Labcorp Genetics (formerly Invitae), Labcorp
Classification: Uncertain significance. Last evaluated: 2021-08-28. Review status: criteria provided, single submitter. Criteria: Invitae Variant Classification Sherloc (09022015). Collection method: clinical testing. Allele origin: germline.
Comment: This sequence change replaces valine with isoleucine at codon 757 of the MPDZ protein (p.Val757Ile). The valine residue is moderately conserved and there is a small physicochemical difference between valine and isoleucine. This variant is present in population databases (rs767430484, ExAC 0.001%). This missense change has been observed in individual(s) with clinical features of autosomal dominant inherited retinal dystrophy (Invitae). Algorithms developed to predict the effect of missense changes on protein structure and function output the following: SIFT: "Tolerated"; PolyPhen-2: "Benign"; Align-GVGD: "Class C0". The isoleucine amino acid residue is found in multiple mammalian species, which suggests that this missense change does not adversely affect protein function. In summary, the available evidence is currently insufficient to determine the role of this variant in disease. Therefore, it has been classified as a Variant of Uncertain Significance.